The following is an entry in ClinVar:

NM_000535.7(PMS2):c.803+11T>C

Gene: PMS2 (PMS1 homolog 2, mismatch repair system component; minus strand). Cytogenetic location: 7p22.1.
Variant type: single nucleotide variant.
Coding change: c.803+11T>C on transcript NM_000535.7 (MANE Select); 11 bases into the intron after coding-DNA position 803, T replaced by C.
Molecular consequence: intron variant.
Genome position (GRCh38, 1-based): chr7:5,997,315, A>G on the plus strand (T>C on the coding strand, the complement: PMS2 is on the minus strand). VCF-style: chr7-5997315-A-G. GRCh37 (hg19) VCF-style: chr7-6036946-A-G.
Other names: c.485+11T>C (NM_001322008.2, NM_001322007.2); c.398+11T>C (NM_001322010.2, NM_001322004.2, NM_001322003.2 and 2 more transcripts); c.230+11T>C (NM_001322013.2); c.-131+11T>C (NM_001322012.2, NM_001322011.2); c.494+11T>C (NM_001322015.2); c.803+11T>C (NM_001322006.2, NM_001322014.2).
Identifiers: ClinVar variation 391236 (VCV000391236.1), dbSNP rs767551713, ClinGen allele CA051709.

ClinVar aggregate classification (germline): Likely benign (1 of 4 stars; one submission).

Submission:

GeneDx
Classification: Likely benign. Last evaluated: 2016-11-28. Review status: criteria provided, single submitter. Criteria: GeneDx Variant Classification (06012015). Collection method: clinical testing. Allele origin: germline. Affected: yes.
Comment: This variant is considered likely benign or benign based on one or more of the following criteria: it is a conservative change, it occurs at a poorly conserved position in the protein, it is predicted to be benign by multiple in silico algorithms, and/or has population frequency not consistent with disease.